The following is an entry in ClinVar:

NM_000278.5(PAX2):c.664G>A (p.Asp222Asn)

Gene: PAX2 (paired box 2; plus strand). Cytogenetic location: 10q24.31.
Variant type: single nucleotide variant.
Coding change: c.664G>A on transcript NM_000278.5 (MANE Select); coding-DNA position 664, G replaced by A.
Protein change: p.Asp222Asn; replaces aspartic acid 222 with asparagine.
Molecular consequence: missense variant.
Genome position (GRCh38, 1-based): chr10:100,806,477, G>A. VCF-style: chr10-100806477-G-A. GRCh37 (hg19) VCF-style: chr10-102566234-G-A.
Other names: c.757G>A, p.Asp253Asn (NM_001304569.2); c.733G>A, p.Asp245Asn (NM_003987.5, NM_003990.5); c.664G>A, p.Asp222Asn (NM_003988.5, NM_003989.5); short protein forms D222N, D245N, D253N.
Identifiers: ClinVar variation 3357143 (VCV003357143.1).

ClinVar aggregate classification (germline): Uncertain significance (0 of 4 stars; one submission).

Conditions:
PAX2-Related Disorder. Also called: PAX2-related disorders. Identifiers: MedGen CN381309.

gnomAD v4.1: 6 of 1,614,246 alleles (0.00037%); highest among the groups gnomAD compares: Non-Finnish European, 0.00051%; no homozygotes.

Submission:

PreventionGenetics, part of Exact Sciences
Classification: Uncertain significance for PAX2-related condition. Last evaluated: 2024-05-20. Review status: no assertion criteria provided. Collection method: clinical testing. Allele origin: germline.
Comment: The PAX2 c.733G>A variant is predicted to result in the amino acid substitution p.Asp245Asn. To our knowledge, this variant has not been reported in the literature. This variant is reported in 0.00088% of alleles in individuals of European (Non-Finnish) descent in gnomAD. At this time, the clinical significance of this variant is uncertain due to the absence of conclusive functional and genetic evidence.